The following is an entry in ClinVar:

NM_177438.3(DICER1):c.5688T>G (p.Ser1896Arg)

Gene: DICER1 (dicer 1, ribonuclease III; minus strand). Cytogenetic location: 14q32.13.
Variant type: single nucleotide variant.
Coding change: c.5688T>G on transcript NM_177438.3 (MANE Select); coding-DNA position 5688, T replaced by G.
Protein change: p.Ser1896Arg; replaces serine 1896 with arginine.
Molecular consequence: missense variant. On other transcripts: 3 prime UTR variant (1), non-coding transcript variant (6).
Genome position (GRCh38, 1-based): chr14:95,090,579, A>C on the plus strand (T>G on the coding strand, the complement: DICER1 is on the minus strand). VCF-style: chr14-95090579-A-C. GRCh37 (hg19) VCF-style: chr14-95556916-A-C.
Other names: c.*35T>G (NM_001195573.1); c.5688T>G, p.Ser1896Arg (NM_001271282.3, NM_001291628.2, NM_001395677.1 and 7 more transcripts); c.5406T>G, p.Ser1802Arg (NM_001395686.1); c.5283T>G, p.Ser1761Arg (NM_001395687.1, NM_001395688.1, NM_001395689.1 and 1 more transcripts); c.5121T>G, p.Ser1707Arg (NM_001395691.1); c.4005T>G, p.Ser1335Arg (NM_001395697.1); short protein forms S1707R, S1802R, S1335R, S1761R, S1896R.
Identifiers: ClinVar variation 3647620 (VCV003647620.2).

ClinVar aggregate classification (germline): Uncertain significance (1 of 4 stars; one submission).

Conditions:
DICER1-related tumor predisposition. Also called: DICER1 syndrome; DICER1-related pleuropulmonary blastoma cancer predisposition syndrome. Identifiers: Orphanet 284343, MedGen C3839822, MONDO:0100216.

Submission:

Labcorp Genetics (formerly Invitae), Labcorp
Classification: Uncertain significance for DICER1-related tumor predisposition. Last evaluated: 2024-03-26. Review status: criteria provided, single submitter. Criteria: Invitae Variant Classification Sherloc (09022015). Collection method: clinical testing. Allele origin: germline.
Comment: This sequence change replaces serine, which is neutral and polar, with arginine, which is basic and polar, at codon 1896 of the DICER1 protein (p.Ser1896Arg). This variant is not present in population databases (gnomAD no frequency). This variant has not been reported in the literature in individuals affected with DICER1-related conditions. An algorithm developed to predict the effect of missense changes on protein structure and function (PolyPhen-2) suggests that this variant is likely to be disruptive. In summary, the available evidence is currently insufficient to determine the role of this variant in disease. Therefore, it has been classified as a Variant of Uncertain Significance.